The following is an entry in ClinVar:

NM_022124.6(CDH23):c.9772G>A (p.Asp3258Asn)

Gene: CDH23 (cadherin related 23; plus strand). Cytogenetic location: 10q22.1.
Variant type: single nucleotide variant.
Coding change: c.9772G>A on transcript NM_022124.6 (MANE Select); coding-DNA position 9772, G replaced by A.
Protein change: p.Asp3258Asn; replaces aspartic acid 3258 with asparagine.
Molecular consequence: missense variant.
Genome position (GRCh38, 1-based): chr10:71,814,985, G>A. VCF-style: chr10-71814985-G-A. GRCh37 (hg19) VCF-style: chr10-73574742-G-A.
Other names: c.3052G>A, p.Asp1018Asn (NM_001171933.1); c.2947G>A, p.Asp983Asn (NM_001171934.1); c.463G>A, p.Asp155Asn (NM_001171935.1); c.358G>A, p.Asp120Asn (NM_001171936.1); short protein forms D155N, D983N, D1018N, D3258N, D120N.
Identifiers: ClinVar variation 1349247 (VCV001349247.5), dbSNP rs2133016736, ClinGen allele CA377137920.

ClinVar aggregate classification (germline): Uncertain significance (1 of 4 stars; one submission).

Allele frequency attached by ClinVar (database versions not stated): gnomAD exomes below 0.00001.
gnomAD v4.1: 2 of 1,612,510 alleles (0.00012%); highest among the groups gnomAD compares: Non-Finnish European, 0.00017%; no homozygotes.

Submission:

Labcorp Genetics (formerly Invitae), Labcorp
Classification: Uncertain significance. Last evaluated: 2021-09-24. Review status: criteria provided, single submitter. Criteria: Invitae Variant Classification Sherloc (09022015). Collection method: clinical testing. Allele origin: germline.
Comment: This sequence change replaces aspartic acid with asparagine at codon 3258 of the CDH23 protein (p.Asp3258Asn). The aspartic acid residue is moderately conserved and there is a small physicochemical difference between aspartic acid and asparagine. This variant is not present in population databases (ExAC no frequency). This variant has not been reported in the literature in individuals with CDH23-related conditions. Algorithms developed to predict the effect of missense changes on protein structure and function are either unavailable or do not agree on the potential impact of this missense change (SIFT: "Deleterious"; PolyPhen-2: "Not Available"; Align-GVGD: "Class C0"). In summary, the available evidence is currently insufficient to determine the role of this variant in disease. Therefore, it has been classified as a Variant of Uncertain Significance.